The following is an entry in ClinVar:

NM_001378454.1(ALMS1):c.9722C>A (p.Pro3241His)

Gene: ALMS1 (ALMS1 centrosome and basal body associated protein; plus strand). Cytogenetic location: 2p13.1.
Variant type: single nucleotide variant.
Coding change: c.9722C>A on transcript NM_001378454.1 (MANE Select); coding-DNA position 9722, C replaced by A.
Protein change: p.Pro3241His; replaces proline 3241 with histidine.
Molecular consequence: missense variant.
Genome position (GRCh38, 1-based): chr2:73,519,957, C>A. VCF-style: chr2-73519957-C-A. GRCh37 (hg19) VCF-style: chr2-73747084-C-A.
Other names: c.9725C>A, p.Pro3242His (NM_015120.4); short protein forms P3241H, P3242H.
Identifiers: ClinVar variation 1463990 (VCV001463990.7), dbSNP rs770579229, ClinGen allele CA1714747.
Genomic context (GRCh38, chr2:73,519,957, plus strand): 5'-ATGCTGAAGATCGTGGACATGAAATTATAGAGCCTGGTAACCAGAAGCTACGCAAAGCTC[C>A]TGTCAAGTTTGCCTCATCATCTTCAGTCCAACAGGTTACTTTTTCTCGCGGCACAGATGG-3'
Protein context (NP_001365383.1, residues 3231-3251): EPGNQKLRKA[Pro3241His]VKFASSSSVQ

ClinVar aggregate classification (germline): Uncertain significance. Review status: criteria provided, multiple submitters, no conflicts (2 of 4 stars). 3 submissions from 3 submitters: Uncertain significance (3). Last evaluated 2022-12-02.

Conditions:
Cardiovascular phenotype. Identifiers: MedGen CN230736.
Alstrom syndrome (ALMS). Identifiers: Orphanet 64, MedGen C0268425, MONDO:0008763, OMIM 203800.

Allele frequency attached by ClinVar (database versions not stated): ExAC 0.00001; gnomAD exomes 0.00001; gnomAD 0.00002 and 0.00004; TOPMed 0.00006.
gnomAD v4.1: 14 of 1,613,962 alleles (0.00087%); highest among the groups gnomAD compares: African/African-American, 0.0013%; no homozygotes.

Submissions (3):

Ambry Genetics
Classification: Uncertain significance for Cardiovascular phenotype. Last evaluated: 2022-12-02. Review status: criteria provided, single submitter. Criteria: Ambry Variant Classification Scheme 2023. Collection method: clinical testing. Allele origin: germline.
Comment: The p.P3242H variant (also known as c.9725C>A), located in coding exon 11 of the ALMS1 gene, results from a C to A substitution at nucleotide position 9725. The proline at codon 3242 is replaced by histidine, an amino acid with similar properties. This amino acid position is well conserved on limited sequence alignment. In addition, this alteration is predicted to be tolerated by in silico analysis. Since supporting evidence is limited at this time, the clinical significance of this alteration remains unclear.

Labcorp Genetics (formerly Invitae), Labcorp
Classification: Uncertain significance for Alstrom syndrome. Last evaluated: 2022-03-23. Review status: criteria provided, single submitter. Criteria: Invitae Variant Classification Sherloc (09022015). Collection method: clinical testing. Allele origin: germline.
Comment: This sequence change replaces proline, which is neutral and non-polar, with histidine, which is basic and polar, at codon 3242 of the ALMS1 protein (p.Pro3242His). This variant is present in population databases (rs770579229, gnomAD 0.003%). This variant has not been reported in the literature in individuals affected with ALMS1-related conditions. Experimental studies and prediction algorithms are not available or were not evaluated, and the functional significance of this variant is currently unknown. In summary, the available evidence is currently insufficient to determine the role of this variant in disease. Therefore, it has been classified as a Variant of Uncertain Significance.

Fulgent Genetics
Classification: Uncertain significance for Alstrom syndrome. Last evaluated: 2021-12-16. Review status: criteria provided, single submitter. Criteria: ACMG Guidelines, 2015. Collection method: clinical testing. Allele origin: unknown.